The following is an entry in ClinVar:

NM_001031710.3(KLHL7):c.881G>A (p.Arg294His)

Gene: KLHL7 (kelch like family member 7; plus strand). Cytogenetic location: 7p15.3.
Variant type: single nucleotide variant.
Coding change: c.881G>A on transcript NM_001031710.3 (MANE Select); coding-DNA position 881, G replaced by A.
Protein change: p.Arg294His; replaces arginine 294 with histidine.
Molecular consequence: missense variant. On other transcripts: non-coding transcript variant (1).
Genome position (GRCh38, 1-based): chr7:23,152,154, G>A. VCF-style: chr7-23152154-G-A. GRCh37 (hg19) VCF-style: chr7-23191773-G-A.
Other names: c.737G>A, p.Arg246His (NM_018846.5); c.881G>A (NM_001031710.2); short protein forms R294H, R246H.
Identifiers: ClinVar variation 1042989 (VCV001042989.9), dbSNP rs1043587892, ClinGen allele CA155242512.
Genomic context (GRCh38, chr7:23,152,154, plus strand): 5'-CAGAGGACCGAGAAGAACTTGTAGATGGCACAAGACCTAGAAGAAAGAAACATGACTACC[G>A]CATAGCCCTATTTGGAGGCTCTCAACCACAGTCTTGTAGATATTTTAACCCAAAGGTAAC-3'
Protein context (NP_001026880.2, residues 284-304): TRPRRKKHDY[Arg294His]IALFGGSQPQ

ClinVar aggregate classification (germline): Uncertain significance. Review status: criteria provided, multiple submitters, no conflicts (2 of 4 stars). 2 submissions from 2 submitters: Uncertain significance (2). Last evaluated 2024-05-06.

Conditions:
KLHL7-related disorder. Also called: KLHL7-related condition; KLHL7-related disorders.

Allele frequency attached by ClinVar (database versions not stated): gnomAD 0.00001; gnomAD exomes 0.00001; TOPMed 0.00001.
gnomAD v4.1: 17 of 1,613,668 alleles (0.0011%); highest among the groups gnomAD compares: Admixed American, 0.0017%; no homozygotes.

Submissions (2):

Labcorp Genetics (formerly Invitae), Labcorp
Classification: Uncertain significance. Last evaluated: 2024-05-06. Review status: criteria provided, single submitter. Criteria: Invitae Variant Classification Sherloc (09022015). Collection method: clinical testing. Allele origin: germline.
Comment: This sequence change replaces arginine, which is basic and polar, with histidine, which is basic and polar, at codon 294 of the KLHL7 protein (p.Arg294His). This variant is present in population databases (no rsID available, gnomAD 0.003%). This variant has not been reported in the literature in individuals affected with KLHL7-related conditions. ClinVar contains an entry for this variant (Variation ID: 1042989). An algorithm developed to predict the effect of missense changes on protein structure and function (PolyPhen-2) suggests that this variant is likely to be tolerated. In summary, the available evidence is currently insufficient to determine the role of this variant in disease. Therefore, it has been classified as a Variant of Uncertain Significance.

PreventionGenetics, part of Exact Sciences
Classification: Uncertain significance for KLHL7-related condition. Last evaluated: 2023-06-19. Review status: criteria provided, single submitter. Criteria: ACMG Guidelines, 2015. Collection method: clinical testing. Allele origin: germline.
Comment: The KLHL7 c.881G>A variant is predicted to result in the amino acid substitution p.Arg294His. To our knowledge, this variant has not been reported in the literature. This variant is reported in 0.0026% of alleles in individuals of European (Non-Finnish) descent in gnomAD. At this time, the clinical significance of this variant is uncertain due to the absence of conclusive functional and genetic evidence.